The following is an entry in ClinVar:

NM_012282.4(KCNE5):c.130G>C (p.Asp44His)

Gene: KCNE5 (potassium voltage-gated channel subfamily E regulatory subunit 5; minus strand). Cytogenetic location: Xq23.
Variant type: single nucleotide variant.
Coding change: c.130G>C on transcript NM_012282.4 (MANE Select); coding-DNA position 130, G replaced by C.
Protein change: p.Asp44His; replaces aspartic acid 44 with histidine.
Molecular consequence: missense variant.
Genome position (GRCh38, 1-based): chrX:109,624,891, C>G on the plus strand (G>C on the coding strand, the complement: KCNE5 is on the minus strand). VCF-style: chrX-109624891-C-G. GRCh37 (hg19) VCF-style: chrX-108868120-C-G.
Other names: short protein forms D44H.
Identifiers: ClinVar variation 1011257 (VCV001011257.9), dbSNP rs1934267803, ClinGen allele CA414213937.

ClinVar aggregate classification (germline): Uncertain significance (1 of 4 stars; one submission).

Conditions:
Brugada syndrome. Also called: Sudden unexpected nocturnal death syndrome; Sudden Unexplained Nocturnal Death Syndrome (SUNDS); Sudden Unexplained Death Syndrome; Sudden unexplained nocturnal death syndrome. Identifiers: Orphanet 130, MedGen C1142166, MONDO:0015263.

Submission:

Labcorp Genetics (formerly Invitae), Labcorp
Classification: Uncertain significance for Brugada syndrome. Last evaluated: 2020-01-23. Review status: criteria provided, single submitter. Criteria: Invitae Variant Classification Sherloc (09022015). Collection method: clinical testing. Allele origin: germline.
Comment: This sequence change replaces aspartic acid with histidine at codon 44 of the KCNE5 protein (p.Asp44His). The aspartic acid residue is highly conserved and there is a moderate physicochemical difference between aspartic acid and histidine. This variant is not present in population databases (ExAC no frequency). This variant has not been reported in the literature in individuals with KCNE5-related conditions. Algorithms developed to predict the effect of missense changes on protein structure and function (SIFT, PolyPhen-2, Align-GVGD) all suggest that this variant is likely to be disruptive, but these predictions have not been confirmed by published functional studies and their clinical significance is uncertain. In summary, the available evidence is currently insufficient to determine the role of this variant in disease. Therefore, it has been classified as a Variant of Uncertain Significance.